The following is an entry in ClinVar:

ClinVar aggregate classification (germline): Likely benign. Review status: criteria provided, single submitter (1 of 4 stars). 2 submissions from 2 submitters: Likely benign (1). 1 of the submissions does not count toward it. Last evaluated 2025-12-02.

Conditions:
ARHGEF15-related disorder. Also called: ARHGEF15-related condition.
Early-infantile DEE. Also called: Ohtahara syndrome; Early infantile epileptic encephalopathy with suppression bursts; Early infantile epileptic encephalopathy. Identifiers: Orphanet 1934, MedGen C0393706, MONDO:0800491.

Allele frequency attached by ClinVar (database versions not stated): gnomAD exomes 0.00002; ExAC 0.00003; gnomAD 0.00006 and 0.00007; TOPMed 0.00007.
gnomAD v4.1: 61 of 1,608,928 alleles (0.0038%); highest among the groups gnomAD compares: East Asian, 0.018%; no homozygotes.

Submissions (2):

Labcorp Genetics (formerly Invitae), Labcorp
Classification: Likely benign for Early-infantile DEE. Last evaluated: 2025-12-02. Review status: criteria provided, single submitter. Criteria: Invitae Variant Classification Sherloc (09022015). Collection method: clinical testing. Allele origin: germline.

PreventionGenetics, part of Exact Sciences
Classification: Likely benign for ARHGEF15-related condition. Last evaluated: 2019-03-11. Review status: no assertion criteria provided. Collection method: clinical testing. Allele origin: germline. Not counted in ClinVar's aggregate classification.
Comment: This variant is classified as likely benign based on ACMG/AMP sequence variant interpretation guidelines (Richards et al. 2015 PMID: 25741868, with internal and published modifications).

NM_173728.4(ARHGEF15):c.513G>A (p.Pro171=)

Gene: ARHGEF15 (Rho guanine nucleotide exchange factor 15; plus strand). Cytogenetic location: 17p13.1.
Variant type: single nucleotide variant.
Coding change: c.513G>A on transcript NM_173728.4 (MANE Select); coding-DNA position 513, G replaced by A.
Protein change: p.Pro171=; no amino-acid change (proline 171 retained).
Molecular consequence: synonymous variant.
Genome position (GRCh38, 1-based): chr17:8,312,552, G>A. VCF-style: chr17-8312552-G-A. GRCh37 (hg19) VCF-style: chr17-8215870-G-A.
Other names: c.513G>A, p.Pro171= (NM_025014.2).
Identifiers: ClinVar variation 530580 (VCV000530580.14), dbSNP rs372888591, ClinGen allele CA8374877.